The following is an entry in ClinVar:

NM_002692.4(POLE2):c.711C>T (p.Val237=)

Gene: POLE2 (DNA polymerase epsilon 2, accessory subunit; minus strand). Cytogenetic location: 14q21.3.
Variant type: single nucleotide variant.
Coding change: c.711C>T on transcript NM_002692.4 (MANE Select); coding-DNA position 711, C replaced by T.
Protein change: p.Val237=; no amino-acid change (valine 237 retained).
Molecular consequence: synonymous variant.
Genome position (GRCh38, 1-based): chr14:49,663,359, G>A on the plus strand (C>T on the coding strand, the complement: POLE2 is on the minus strand). VCF-style: chr14-49663359-G-A. GRCh37 (hg19) VCF-style: chr14-50130077-G-A.
Other names: c.633C>T, p.Val211= (NM_001197330.2); c.711C>T, p.Val237= (NM_001197331.3, NM_001348384.2); c.480C>T, p.Val160= (NM_001348385.2).
Identifiers: ClinVar variation 1962797 (VCV001962797.5), dbSNP rs1293488624, ClinGen allele CA486140395.

ClinVar aggregate classification (germline): Uncertain significance (1 of 4 stars; one submission).

Allele frequency attached by ClinVar (database versions not stated): gnomAD exomes below 0.00001; TOPMed below 0.00001.
gnomAD v4.1: 6 of 1,610,176 alleles (0.00037%); highest among the groups gnomAD compares: Middle Eastern, 0.017%; no homozygotes.

Submission:

Labcorp Genetics (formerly Invitae), Labcorp
Classification: Uncertain significance. Last evaluated: 2023-12-26. Review status: criteria provided, single submitter. Criteria: Invitae Variant Classification Sherloc (09022015). Collection method: clinical testing. Allele origin: germline.
Comment: This sequence change affects codon 237 of the POLE2 mRNA. It is a 'silent' change, meaning that it does not change the encoded amino acid sequence of the POLE2 protein. This variant is not present in population databases (gnomAD no frequency). This variant has not been reported in the literature in individuals affected with POLE2-related conditions. ClinVar contains an entry for this variant (Variation ID: 1962797). Algorithms developed to predict the effect of sequence changes on RNA splicing suggest that this variant may disrupt the consensus splice site. In summary, the available evidence is currently insufficient to determine the role of this variant in disease. Therefore, it has been classified as a Variant of Uncertain Significance.